The following is an entry in ClinVar:

NM_000245.4(MET):c.1570C>G (p.Gln524Glu)

Gene: MET (MET proto-oncogene, receptor tyrosine kinase; plus strand). Cytogenetic location: 7q31.2.
Variant type: single nucleotide variant.
Coding change: c.1570C>G on transcript NM_000245.4 (MANE Select); coding-DNA position 1570, C replaced by G.
Protein change: p.Gln524Glu; replaces glutamine 524 with glutamic acid.
Molecular consequence: missense variant.
Genome position (GRCh38, 1-based): chr7:116,740,894, C>G. VCF-style: chr7-116740894-C-G. GRCh37 (hg19) VCF-style: chr7-116380948-C-G.
Other names: c.1570C>G, p.Gln524Glu (NM_001127500.3, NM_001324401.3); c.280C>G, p.Gln94Glu (NM_001324402.2); short protein forms Q94E, Q524E.
Identifiers: ClinVar variation 1345618 (VCV001345618.9), dbSNP rs2116834835, ClinGen allele CA368975165.
Genomic context (GRCh38, chr7:116,740,894, plus strand): 5'-CACCCCTTCTCTTCACAGATCACGAAGATCCCATTGAATGGCTTGGGCTGCAGACATTTC[C>G]AGTCCTGCAGTCAATGCCTCTCTGCCCCACCCTTTGTTCAGTGTGGCTGGTGCCACGACA-3'
Protein context (NP_000236.2, residues 514-534): PLNGLGCRHF[Gln524Glu]SCSQCLSAPP

ClinVar aggregate classification (germline): Conflicting classifications of pathogenicity. Review status: criteria provided, conflicting classifications (1 of 4 stars). 3 submissions from 3 submitters: Uncertain significance (2); Likely benign (1). Last evaluated 2026-07-30.

Conditions:
Renal cell carcinoma. Identifiers: Orphanet 217071, MedGen C0007134, MeSH D002292, MONDO:0005086, HP:0005584.
Hereditary cancer-predisposing syndrome. Also called: Hereditary Cancer Syndrome; Neoplastic Syndromes, Hereditary; Hereditary neoplastic syndrome; Tumor predisposition. Identifiers: Orphanet 140162, MedGen C0027672, MeSH D009386, MONDO:0015356.

Submissions (3):

Ambry Genetics
Classification: Likely benign for Hereditary cancer-predisposing syndrome. Last evaluated: 2026-07-30. Review status: criteria provided, single submitter. Criteria: Ambry Variant Classification Scheme 2023. Collection method: clinical testing. Allele origin: germline.

Labcorp Genetics (formerly Invitae), Labcorp
Classification: Uncertain significance for Renal cell carcinoma. Last evaluated: 2024-11-27. Review status: criteria provided, single submitter. Criteria: Invitae Variant Classification Sherloc (09022015). Collection method: clinical testing. Allele origin: germline.
Comment: This sequence change replaces glutamine, which is neutral and polar, with glutamic acid, which is acidic and polar, at codon 524 of the MET protein (p.Gln524Glu). This variant is not present in population databases (gnomAD no frequency). This variant has not been reported in the literature in individuals affected with MET-related conditions. ClinVar contains an entry for this variant (Variation ID: 1345618). Invitae Evidence Modeling of protein sequence and biophysical properties (such as structural, functional, and spatial information, amino acid conservation, physicochemical variation, residue mobility, and thermodynamic stability) indicates that this missense variant is not expected to disrupt MET protein function with a negative predictive value of 80%. In summary, the available evidence is currently insufficient to determine the role of this variant in disease. Therefore, it has been classified as a Variant of Uncertain Significance.

GeneDx
Classification: Uncertain significance. Last evaluated: 2023-02-09. Review status: criteria provided, single submitter. Criteria: GeneDx Variant Classification Process June 2021. Collection method: clinical testing. Allele origin: germline. Affected: yes.
Comment: Not observed at significant frequency in large population cohorts (gnomAD); In silico analysis supports that this missense variant does not alter protein structure/function; Has not been previously published as pathogenic or benign to our knowledge